The following is an entry in ClinVar:

ClinVar aggregate classification (germline): Benign (0 of 4 stars; one submission).

Conditions:
PDZD2-related disorder. Also called: PDZD2-related condition.

Allele frequency attached by ClinVar (database versions not stated): ESP Exome Variant Server 0.00015; gnomAD 0.00051; TOPMed 0.00053; ExAC 0.00104; 1000 Genomes Project 30x 0.00437; 1000 Genomes Project 0.00439.
gnomAD v4.1: 547 of 1,613,862 alleles (0.034%); highest among the groups gnomAD compares: East Asian, 0.75%; 2 homozygotes.

Submission:

PreventionGenetics, part of Exact Sciences
Classification: Benign for PDZD2-related condition. Last evaluated: 2019-06-06. Review status: no assertion criteria provided. Collection method: clinical testing. Allele origin: germline.
Comment: This variant is classified as benign based on ACMG/AMP sequence variant interpretation guidelines (Richards et al. 2015 PMID: 25741868, with internal and published modifications).

NM_178140.4(PDZD2):c.5241C>T (p.Tyr1747=)

Gene: PDZD2 (PDZ domain containing 2; plus strand). Cytogenetic location: 5p13.3.
Variant type: single nucleotide variant.
Coding change: c.5241C>T on transcript NM_178140.4 (MANE Select); coding-DNA position 5241, C replaced by T.
Protein change: p.Tyr1747=; no amino-acid change (tyrosine 1747 retained).
Molecular consequence: synonymous variant.
Genome position (GRCh38, 1-based): chr5:32,088,689, C>T. VCF-style: chr5-32088689-C-T. GRCh37 (hg19) VCF-style: chr5-32088795-C-T.
Identifiers: ClinVar variation 3044562 (VCV003044562.2), dbSNP rs117773834, ClinGen allele CA3219883.